The following is an entry in ClinVar:

NM_005477.3(HCN4):c.3527G>C (p.Gly1176Ala)

Gene: HCN4 (hyperpolarization activated cyclic nucleotide gated potassium channel 4; minus strand). Cytogenetic location: 15q24.1.
Variant type: single nucleotide variant.
Coding change: c.3527G>C on transcript NM_005477.3 (MANE Select); coding-DNA position 3527, G replaced by C.
Protein change: p.Gly1176Ala; replaces glycine 1176 with alanine.
Molecular consequence: missense variant.
Genome position (GRCh38, 1-based): chr15:73,322,566, C>G on the plus strand (G>C on the coding strand, the complement: HCN4 is on the minus strand). VCF-style: chr15-73322566-C-G. GRCh37 (hg19) VCF-style: chr15-73614907-C-G.
Other names: short protein forms G1176A.
Identifiers: ClinVar variation 2565010 (VCV002565010.3), dbSNP rs1423802153, ClinGen allele CA393085003.

ClinVar aggregate classification (germline): Uncertain significance. Review status: criteria provided, multiple submitters, no conflicts (2 of 4 stars). 2 submissions from 2 submitters: Uncertain significance (2). Last evaluated 2025-04-17.

Conditions:
Cardiovascular phenotype. Identifiers: MedGen CN230736.
Brugada syndrome 8 (BRGDA8). Identifiers: Orphanet 130, MedGen C2751083, MONDO:0013148, OMIM 613123.

gnomAD v4.1: 4 of 1,608,394 alleles (0.00025%); highest among the groups gnomAD compares: East Asian, 0.009%; no homozygotes.

Submissions (2):

Labcorp Genetics (formerly Invitae), Labcorp
Classification: Uncertain significance for Brugada syndrome 8. Last evaluated: 2025-04-17. Review status: criteria provided, single submitter. Criteria: Invitae Variant Classification Sherloc (09022015). Collection method: clinical testing. Allele origin: germline.
Comment: This sequence change replaces glycine, which is neutral and non-polar, with alanine, which is neutral and non-polar, at codon 1176 of the HCN4 protein (p.Gly1176Ala). This variant is not present in population databases (gnomAD no frequency). This variant has not been reported in the literature in individuals affected with HCN4-related conditions. ClinVar contains an entry for this variant (Variation ID: 2565010). Invitae Evidence Modeling of protein sequence and biophysical properties (such as structural, functional, and spatial information, amino acid conservation, physicochemical variation, residue mobility, and thermodynamic stability) indicates that this missense variant is not expected to disrupt HCN4 protein function with a negative predictive value of 95%. In summary, the available evidence is currently insufficient to determine the role of this variant in disease. Therefore, it has been classified as a Variant of Uncertain Significance.

Ambry Genetics
Classification: Uncertain significance for Cardiovascular phenotype. Last evaluated: 2023-04-18. Review status: criteria provided, single submitter. Criteria: Ambry Variant Classification Scheme 2023. Collection method: clinical testing. Allele origin: germline.
Comment: The p.G1176A variant (also known as c.3527G>C), located in coding exon 8 of the HCN4 gene, results from a G to C substitution at nucleotide position 3527. The glycine at codon 1176 is replaced by alanine, an amino acid with similar properties. This amino acid position is conserved. In addition, the in silico prediction for this alteration is inconclusive. Since supporting evidence is limited at this time, the clinical significance of this alteration remains unclear.